The following is an entry in ClinVar:

ClinVar aggregate classification (germline): Uncertain significance. Review status: criteria provided, multiple submitters, no conflicts (2 of 4 stars). 2 submissions from 2 submitters: Uncertain significance (2). Last evaluated 2025-08-04.

Allele frequency attached by ClinVar (database versions not stated): gnomAD exomes 0.00001; ExAC 0.00002; gnomAD 0.00016; TOPMed 0.00028; 1000 Genomes Project 30x 0.00047; 1000 Genomes Project 0.00060.
gnomAD v4.1: 46 of 1,595,784 alleles (0.0029%); highest among the groups gnomAD compares: Admixed American, 0.048%; no homozygotes.

Submissions (2):

Ambry Genetics
Classification: Uncertain significance. Last evaluated: 2025-08-04. Review status: criteria provided, single submitter. Criteria: Ambry Variant Classification Scheme 2023. Collection method: clinical testing. Allele origin: germline.

GeneDx
Classification: Uncertain significance. Last evaluated: 2024-07-23. Review status: criteria provided, single submitter. Criteria: GeneDx Variant Classification Process June 2021. Collection method: clinical testing. Allele origin: germline. Affected: yes.
Comment: In silico analysis supports that this missense variant has a deleterious effect on protein structure/function; Has not been previously published as pathogenic or benign to our knowledge

NM_001064.4(TKT):c.293T>C (p.Leu98Pro)

Gene: TKT (transketolase; minus strand). Cytogenetic location: 3p21.1.
Variant type: single nucleotide variant.
Coding change: c.293T>C on transcript NM_001064.4 (MANE Select); coding-DNA position 293, T replaced by C.
Protein change: p.Leu98Pro; replaces leucine 98 with proline.
Molecular consequence: missense variant. On other transcripts: non-coding transcript variant (1).
Genome position (GRCh38, 1-based): chr3:53,241,178, A>G on the plus strand (T>C on the coding strand, the complement: TKT is on the minus strand). VCF-style: chr3-53241178-A-G. GRCh37 (hg19) VCF-style: chr3-53275194-A-G.
Other names: c.293T>C, p.Leu98Pro (NM_001135055.3, NM_001258028.2); short protein forms L98P.
Identifiers: ClinVar variation 2362048 (VCV002362048.4), dbSNP rs201367126, ClinGen allele CA2452939.